The following is an entry in ClinVar:

ClinVar aggregate classification (germline): Uncertain significance. Review status: criteria provided, multiple submitters, no conflicts (2 of 4 stars). 2 submissions from 2 submitters: Uncertain significance (2). Last evaluated 2023-12-09.

Allele frequency attached by ClinVar (database versions not stated): gnomAD 0.00001; TOPMed 0.00002.
gnomAD v4.1: 6 of 1,613,960 alleles (0.00037%); highest among the groups gnomAD compares: Admixed American, 0.0017%; no homozygotes.

Submissions (2):

Labcorp Genetics (formerly Invitae), Labcorp
Classification: Uncertain significance. Last evaluated: 2023-12-09. Review status: criteria provided, single submitter. Criteria: Invitae Variant Classification Sherloc (09022015). Collection method: clinical testing. Allele origin: germline.
Comment: This sequence change replaces asparagine, which is neutral and polar, with histidine, which is basic and polar, at codon 64 of the MCM5 protein (p.Asn64His). This variant is not present in population databases (gnomAD no frequency). This variant has not been reported in the literature in individuals affected with MCM5-related conditions. ClinVar contains an entry for this variant (Variation ID: 2273242). Advanced modeling of protein sequence and biophysical properties (such as structural, functional, and spatial information, amino acid conservation, physicochemical variation, residue mobility, and thermodynamic stability) performed at Invitae indicates that this missense variant is not expected to disrupt MCM5 protein function with a negative predictive value of 80%. In summary, the available evidence is currently insufficient to determine the role of this variant in disease. Therefore, it has been classified as a Variant of Uncertain Significance.

Ambry Genetics
Classification: Uncertain significance. Last evaluated: 2022-01-26. Review status: criteria provided, single submitter. Criteria: Ambry Variant Classification Scheme 2023. Collection method: clinical testing. Allele origin: germline.

NM_006739.4(MCM5):c.190A>C (p.Asn64His)

Gene: MCM5 (minichromosome maintenance complex component 5; plus strand). Cytogenetic location: 22q12.3.
Variant type: single nucleotide variant.
Coding change: c.190A>C on transcript NM_006739.4 (MANE Select); coding-DNA position 190, A replaced by C.
Protein change: p.Asn64His; replaces asparagine 64 with histidine.
Molecular consequence: missense variant.
Genome position (GRCh38, 1-based): chr22:35,403,229, A>C. VCF-style: chr22-35403229-A-C. GRCh37 (hg19) VCF-style: chr22-35799222-A-C.
Other names: short protein forms N64H.
Identifiers: ClinVar variation 2273242 (VCV002273242.5), dbSNP rs1180611774, ClinGen allele CA411358955.